The following is an entry in ClinVar:

NM_000260.4(MYO7A):c.1204A>G (p.Ile402Val)

Gene: MYO7A (myosin VIIA; plus strand). Cytogenetic location: 11q13.5.
Variant type: single nucleotide variant.
Coding change: c.1204A>G on transcript NM_000260.4 (MANE Select); coding-DNA position 1204, A replaced by G.
Protein change: p.Ile402Val; replaces isoleucine 402 with valine.
Molecular consequence: missense variant.
Genome position (GRCh38, 1-based): chr11:77,160,976, A>G. VCF-style: chr11-77160976-A-G. GRCh37 (hg19) VCF-style: chr11-76872022-A-G.
Other names: c.1204A>G, p.Ile402Val (NM_001127180.2); c.1171A>G, p.Ile391Val (NM_001369365.1); short protein forms I402V, I391V.
Identifiers: ClinVar variation 4705626 (VCV004705626.1).

ClinVar aggregate classification (germline): Uncertain significance (1 of 4 stars; one submission).

gnomAD v4.1: 1 of 1,598,254 alleles (0.000063%); no homozygotes.

Submission:

Labcorp Genetics (formerly Invitae), Labcorp
Classification: Uncertain significance. Last evaluated: 2025-07-06. Review status: criteria provided, single submitter. Criteria: Invitae Variant Classification Sherloc (09022015). Collection method: clinical testing. Allele origin: germline.
Comment: This sequence change replaces isoleucine, which is neutral and non-polar, with valine, which is neutral and non-polar, at codon 402 of the MYO7A protein (p.Ile402Val). The frequency data for this variant in the population databases is considered unreliable, as metrics indicate poor data quality at this position in the gnomAD database. This variant has not been reported in the literature in individuals affected with MYO7A-related conditions. Invitae Evidence Modeling of protein sequence and biophysical properties (such as structural, functional, and spatial information, amino acid conservation, physicochemical variation, residue mobility, and thermodynamic stability) indicates that this missense variant is not expected to disrupt MYO7A protein function with a negative predictive value of 95%. In summary, the available evidence is currently insufficient to determine the role of this variant in disease. Therefore, it has been classified as a Variant of Uncertain Significance.